The following is an entry in ClinVar:

NM_000388.4(CASR):c.2965C>T (p.His989Tyr)

Gene: CASR (calcium sensing receptor; plus strand). Cytogenetic location: 3q21.1.
Variant type: single nucleotide variant.
Coding change: c.2965C>T on transcript NM_000388.4 (MANE Select); coding-DNA position 2965, C replaced by T.
Protein change: p.His989Tyr; replaces histidine 989 with tyrosine.
Molecular consequence: missense variant.
Genome position (GRCh38, 1-based): chr3:122,284,919, C>T. VCF-style: chr3-122284919-C-T. GRCh37 (hg19) VCF-style: chr3-122003766-C-T.
Other names: c.2995C>T, p.His999Tyr (NM_001178065.2); short protein forms H989Y, H999Y.
Identifiers: ClinVar variation 3231564 (VCV003231564.1), dbSNP rs2074949973, ClinGen allele CA354161160.

ClinVar aggregate classification (germline): Uncertain significance (1 of 4 stars; one submission).

Conditions:
Nephrolithiasis/nephrocalcinosis. Identifiers: MedGen CN580796.

gnomAD v4.1: 1 of 1,614,142 alleles (0.000062%); highest among the groups gnomAD compares: East Asian, 0.0022%; no homozygotes.

Submission:

Ambry Genetics
Classification: Uncertain significance for Nephrolithiasis/nephrocalcinosis. Last evaluated: 2023-05-19. Review status: criteria provided, single submitter. Criteria: Ambry Variant Classification Scheme 2023. Collection method: clinical testing. Allele origin: germline.
Comment: The p.H989Y variant (also known as c.2965C>T), located in coding exon 6 of the CASR gene, results from a C to T substitution at nucleotide position 2965. The histidine at codon 989 is replaced by tyrosine, an amino acid with similar properties. This amino acid position is conserved. In addition, this alteration is predicted to be tolerated by in silico analysis. Since supporting evidence is limited at this time, the clinical significance of this alteration remains unclear.